The following is an entry in ClinVar:

ClinVar aggregate classification (germline): Likely benign. Review status: criteria provided, multiple submitters, no conflicts (2 of 4 stars). 6 submissions from 6 submitters: Likely benign (6). Last evaluated 2026-08-01.

Conditions:
Distal myopathy with posterior leg and anterior hand involvement. Also called: WILLIAMS DISTAL MYOPATHY. Identifiers: Orphanet 63273, MedGen C3279722, MONDO:0013550, OMIM 614065.
Hypertrophic cardiomyopathy 26. Also called: Cardiomyopathy, familial hypertrophic, 26. Identifiers: Orphanet 75249, MedGen C4310749, MONDO:0014883, OMIM 617047.
Myofibrillar myopathy 5. Also called: Filaminopathy (type); FILAMINOPATHY, AUTOSOMAL DOMINANT. Identifiers: Orphanet 171445, MedGen C1836050, MONDO:0012289, OMIM 609524.
Cardiovascular phenotype. Identifiers: MedGen CN230736.

Allele frequency attached by ClinVar (database versions not stated): gnomAD 0.00011 and 0.00012; gnomAD exomes 0.00013 and 0.00024; TOPMed 0.00015; ESP Exome Variant Server 0.00016; ExAC 0.00019.
gnomAD v4.1: 224 of 1,613,978 alleles (0.014%); highest among the groups gnomAD compares: Admixed American, 0.0083%; no homozygotes.

Submissions (6):

CeGaT Center for Human Genetics Tuebingen
Classification: Likely benign. Last evaluated: 2026-08-01. Review status: criteria provided, single submitter. Criteria: CeGaT Center For Human Genetics Tuebingen Variant Classification Criteria Version 2. Collection method: clinical testing. Allele origin: germline. Affected: yes. Observed: 20 variant alleles.
Comment: FLNC: BP4, BP7

Molecular Diagnostic Laboratory for Inherited Cardiovascular Disease, Montreal Heart Institute
Classification: Likely benign. Last evaluated: 2026-03-27. Review status: criteria provided, single submitter. Criteria: ACMG Guidelines, 2015. Collection method: clinical testing. Allele origin: germline. Affected: no.
Comment: BP7

Labcorp Genetics (formerly Invitae), Labcorp
Classification: Likely benign for Distal myopathy with posterior leg and anterior hand involvement; Myofibrillar myopathy 5; Hypertrophic cardiomyopathy 26. Last evaluated: 2026-02-03. Review status: criteria provided, single submitter. Criteria: Invitae Variant Classification Sherloc (09022015). Collection method: clinical testing. Allele origin: germline.

Blueprint Genetics
Classification: Likely benign. Last evaluated: 2024-02-05. Review status: criteria provided, single submitter. Criteria: ACMG Guidelines, 2015. Collection method: clinical testing. Allele origin: germline.

GeneDx
Classification: Likely benign. Last evaluated: 2021-05-19. Review status: criteria provided, single submitter. Criteria: GeneDx Variant Classification Process June 2021. Collection method: clinical testing. Allele origin: germline. Affected: yes.

Ambry Genetics
Classification: Likely benign for Cardiovascular phenotype. Last evaluated: 2020-02-27. Review status: criteria provided, single submitter. Criteria: Ambry Variant Classification Scheme 2023. Collection method: clinical testing. Allele origin: germline.

NM_001458.5(FLNC):c.3960G>A (p.Glu1320=)

Gene: FLNC (filamin C; plus strand). Cytogenetic location: 7q32.1.
Variant type: single nucleotide variant.
Coding change: c.3960G>A on transcript NM_001458.5 (MANE Select); coding-DNA position 3960, G replaced by A.
Protein change: p.Glu1320=; no amino-acid change (glutamic acid 1320 retained).
Molecular consequence: synonymous variant.
Genome position (GRCh38, 1-based): chr7:128,846,159, G>A. VCF-style: chr7-128846159-G-A. GRCh37 (hg19) VCF-style: chr7-128486213-G-A.
Other names: c.3960G>A, p.Glu1320= (NM_001127487.2).
Identifiers: ClinVar variation 472051 (VCV000472051.45), dbSNP rs200717144, ClinGen allele CA4475190.